The following is an entry in ClinVar:

NM_005902.4(SMAD3):c.68A>G (p.Gln23Arg)

Gene: SMAD3 (SMAD family member 3; plus strand). Cytogenetic location: 15q22.33.
Variant type: single nucleotide variant.
Coding change: c.68A>G on transcript NM_005902.4 (MANE Select); coding-DNA position 68, A replaced by G.
Protein change: p.Gln23Arg; replaces glutamine 23 with arginine.
Molecular consequence: missense variant.
Genome position (GRCh38, 1-based): chr15:67,066,222, A>G. VCF-style: chr15-67066222-A-G. GRCh37 (hg19) VCF-style: chr15-67358560-A-G.
Other names: c.68A>G, p.Gln23Arg (NM_001407011.1, NM_001407012.1, NM_001407013.1); short protein forms Q23R.
Identifiers: ClinVar variation 3069612 (VCV003069612.1), dbSNP rs2504999908, ClinGen allele CA393202808.
Genomic context (GRCh38, chr15:67,066,222, plus strand): 5'-CCATCCTGCCTTTCACTCCCCCGATCGTGAAGCGCCTGCTGGGCTGGAAGAAGGGCGAGC[A>G]GAACGGGCAGGAGGAGAAATGGTGCGAGAAGGCGGTCAAGAGCCTGGTCAAGAAACTCAA-3'
Protein context (NP_005893.1, residues 13-33): KRLLGWKKGE[Gln23Arg]NGQEEKWCEK

ClinVar aggregate classification (germline): Uncertain significance (1 of 4 stars; one submission).

Conditions:
Aneurysm-osteoarthritis syndrome. Also called: ANEURYSMS-OSTEOARTHRITIS SYNDROME; LOEYS-DIETZ SYNDROME WITH OSTEOARTHRITIS; Loeys-Dietz syndrome, type 1C; SMAD3-Related Loeys-Dietz Syndrome. Identifiers: Orphanet 284984, MedGen C3151087, MONDO:0013426, OMIM 613795.

Submission:

All of Us Research Program, National Institutes of Health
Classification: Uncertain significance for Aneurysm-osteoarthritis syndrome. Last evaluated: 2023-02-24. Review status: criteria provided, single submitter. Criteria: ACMG Guidelines, 2015. Collection method: clinical testing. Allele origin: germline. Inheritance: Autosomal dominant inheritance. Observed: 1 variant allele, 1 heterozygote.
Comment: This missense variant replaces glutamine with arginine at codon 23 of the SMAD3 protein. Computational prediction suggests that this variant may not impact protein structure and function (internally defined REVEL score threshold <= 0.5, PMID: 27666373). To our knowledge, functional studies have not been reported for this variant. This variant has not been reported in individuals affected with cardiovascular disorders in the literature. This variant has not been identified in the general population by the Genome Aggregation Database (gnomAD). The available evidence is insufficient to determine the role of this variant in disease conclusively. Therefore, this variant is classified as a Variant of Uncertain Significance.

This study involves interpretation of variants in research participants for the purpose of population health screening. Participant phenotype was not available at the time of variant classification. Additional details can be found in publication PMID: 35346344, PMCID: PMC8962531